The following is an entry in ClinVar:

NM_000535.6(PMS2):c.2276-?_2445+?del

Gene: PMS2 (PMS1 homolog 2, mismatch repair system component; minus strand). Cytogenetic location: 7p22.1.
Variant type: Deletion.
Coding change: c.2276-?_2445+?del on transcript NM_000535.6.
Identifiers: ClinVar variation 267344 (VCV000267344.1).

ClinVar aggregate classification (germline): Pathogenic (1 of 4 stars; one submission).

Conditions:
Lynch syndrome. Identifiers: Orphanet 144, MedGen C4552100, MONDO:0005835. Disease mechanism: loss of function.

Submission:

Labcorp Genetics (formerly Invitae), Labcorp
Classification: Pathogenic for Hereditary nonpolyposis colorectal neoplasms. Last evaluated: 2016-01-12. Review status: criteria provided, single submitter. Criteria: Invitae Variant Classification Sherloc (09022015). Collection method: clinical testing. Allele origin: germline.
Comment: This sequence change is a gross deletion of the genomic region encompassing exon 14 of the PMS2 gene. This creates a premature translational stop signal and disrupted PMS2 protein, removing the C-terminal portion of the MLH1 interaction domain (PMID: 10037723). Truncating variants in PMS2 are known to be pathogenic. Deletions of exon 14 have been reported in the literature in individuals with Lynch syndrome tumors (PMID: 23837913, 23012243). For these reasons, this variant has been classified as Pathogenic.